The following is an entry in ClinVar:

ClinVar aggregate classification (germline): Uncertain significance (1 of 4 stars; one submission).

Conditions:
Inborn genetic diseases. Identifiers: MedGen C0950123, MeSH D030342.

Submission:

Ambry Genetics
Classification: Uncertain significance for Inborn genetic diseases. Last evaluated: 2025-03-18. Review status: criteria provided, single submitter. Criteria: Ambry Variant Classification Scheme 2023. Collection method: clinical testing. Allele origin: germline.
Comment: The p.R1334S variant (also known as c.4002A>C), located in coding exon 1 of the SAMD9 gene, results from an A to C substitution at nucleotide position 4002. The arginine at codon 1334 is replaced by serine, an amino acid with dissimilar properties. This amino acid position is conserved. In addition, this alteration is predicted to be tolerated by in silico analysis. Based on the available evidence, the clinical significance of this variant remains unclear.

NM_017654.4(SAMD9):c.4002A>C (p.Arg1334Ser)

Gene: SAMD9 (sterile alpha motif domain containing 9; minus strand). Cytogenetic location: 7q21.2.
Variant type: single nucleotide variant.
Coding change: c.4002A>C on transcript NM_017654.4 (MANE Select); coding-DNA position 4002, A replaced by C.
Protein change: p.Arg1334Ser; replaces arginine 1334 with serine.
Molecular consequence: missense variant.
Genome position (GRCh38, 1-based): chr7:93,102,096, T>G on the plus strand (A>C on the coding strand, the complement: SAMD9 is on the minus strand). VCF-style: chr7-93102096-T-G. GRCh37 (hg19) VCF-style: chr7-92731409-T-G.
Other names: c.4002A>C, p.Arg1334Ser (NM_001193307.2); short protein forms R1334S.
Identifiers: ClinVar variation 3949455 (VCV003949455.1).